The following is an entry in ClinVar:

NM_001330691.3(CEP78):c.94C>T (p.Pro32Ser)

Gene: CEP78 (centrosomal protein 78; plus strand). Cytogenetic location: 9q21.2.
Variant type: single nucleotide variant.
Coding change: c.94C>T on transcript NM_001330691.3 (MANE Select); coding-DNA position 94, C replaced by T.
Protein change: p.Pro32Ser; replaces proline 32 with serine.
Molecular consequence: missense variant.
Genome position (GRCh38, 1-based): chr9:78,236,444, C>T. VCF-style: chr9-78236444-C-T. GRCh37 (hg19) VCF-style: chr9-80851360-C-T.
Other names: c.94C>T, p.Pro32Ser (NM_001098802.3, NM_001330693.3, NM_001330694.2 and 4 more transcripts); short protein forms P32S.
Identifiers: ClinVar variation 1045719 (VCV001045719.6), dbSNP rs768077721, ClinGen allele CA5094806.
Genomic context (GRCh38, chr9:78,236,444, plus strand): 5'-GCGGCGGACTTCTTCTCCCACTACGAGTACCTGTGCGCGCTGCAGAACTCGGTGCCGCTG[C>T]CCGCCGTGCGCGCCTGTCTCCGGGAGGGCGTGCTGGATTTCAACGCCGACCGCCTCCGCG-3'
Protein context (NP_001317620.1, residues 22-42): LCALQNSVPL[Pro32Ser]AVRACLREGV

ClinVar aggregate classification (germline): Uncertain significance (1 of 4 stars; one submission).

Allele frequency attached by ClinVar (database versions not stated): gnomAD exomes 0.00001 and 0.00002; ExAC 0.00004.
gnomAD v4.1: 6 of 1,603,542 alleles (0.00037%); highest among the groups gnomAD compares: East Asian, 0.013%; no homozygotes.

Submission:

Labcorp Genetics (formerly Invitae), Labcorp
Classification: Uncertain significance. Last evaluated: 2022-03-16. Review status: criteria provided, single submitter. Criteria: Invitae Variant Classification Sherloc (09022015). Collection method: clinical testing. Allele origin: germline.
Comment: This sequence change replaces proline, which is neutral and non-polar, with serine, which is neutral and polar, at codon 32 of the CEP78 protein (p.Pro32Ser). This variant is present in population databases (rs768077721, gnomAD 0.04%). This variant has not been reported in the literature in individuals affected with CEP78-related conditions. ClinVar contains an entry for this variant (Variation ID: 1045719). Algorithms developed to predict the effect of missense changes on protein structure and function are either unavailable or do not agree on the potential impact of this missense change (SIFT: "Deleterious"; PolyPhen-2: "Probably Damaging"; Align-GVGD: "Class C0"). In summary, the available evidence is currently insufficient to determine the role of this variant in disease. Therefore, it has been classified as a Variant of Uncertain Significance.